The following is an entry in ClinVar:

ClinVar aggregate classification (germline): Benign (0 of 4 stars; one submission).

Conditions:
DNAH6-related disorder. Also called: DNAH6-related condition.

Allele frequency attached by ClinVar (database versions not stated): TOPMed 0.00003; gnomAD 0.00015; gnomAD exomes 0.00042; 1000 Genomes Project 30x 0.00062; 1000 Genomes Project 0.00080; ExAC 0.00264.
gnomAD v4.1: 610 of 1,549,412 alleles (0.039%); highest among the groups gnomAD compares: South Asian, 0.7%; 8 homozygotes.

Submission:

PreventionGenetics, part of Exact Sciences
Classification: Benign for DNAH6-related condition. Last evaluated: 2019-07-01. Review status: no assertion criteria provided. Collection method: clinical testing. Allele origin: germline.
Comment: This variant is classified as benign based on ACMG/AMP sequence variant interpretation guidelines (Richards et al. 2015 PMID: 25741868, with internal and published modifications).

NM_001370.2(DNAH6):c.9808A>G (p.Ile3270Val)

Gene: DNAH6 (dynein axonemal heavy chain 6; plus strand). Cytogenetic location: 2p11.2.
Variant type: single nucleotide variant.
Coding change: c.9808A>G on transcript NM_001370.2 (MANE Select); coding-DNA position 9808, A replaced by G.
Protein change: p.Ile3270Val; replaces isoleucine 3270 with valine.
Molecular consequence: missense variant.
Genome position (GRCh38, 1-based): chr2:84,722,640, A>G. VCF-style: chr2-84722640-A-G. GRCh37 (hg19) VCF-style: chr2-84949764-A-G.
Other names: short protein forms I3270V.
Identifiers: ClinVar variation 3043557 (VCV003043557.2), dbSNP rs553674446, ClinGen allele CA1737645.
Genomic context (GRCh38, chr2:84,722,640, plus strand): 5'-TTCTGGAACAGATCCCTAAGAACTTGTTATTGTATGTTTATTCAGATCACTTCTGGTGCC[A>G]TTAAAACCAGGCTGGAAGAAGCAGAGTCCACTGAGCAGATGATCAATGTGGCTCGTGAGA-3'
Protein context (NP_001361.1, residues 3260-3280): LQDSKITSGA[Ile3270Val]KTRLEEAEST